The following is an entry in ClinVar:

NM_001206927.2(DNAH8):c.8724G>A (p.Glu2908=)

Gene: DNAH8 (dynein axonemal heavy chain 8; plus strand). Cytogenetic location: 6p21.2.
Variant type: single nucleotide variant.
Coding change: c.8724G>A on transcript NM_001206927.2 (MANE Select); coding-DNA position 8724, G replaced by A.
Protein change: p.Glu2908=; no amino-acid change (glutamic acid 2908 retained).
Molecular consequence: synonymous variant.
Genome position (GRCh38, 1-based): chr6:38,894,841, G>A. VCF-style: chr6-38894841-G-A. GRCh37 (hg19) VCF-style: chr6-38862617-G-A.
Other names: c.8073G>A, p.Glu2691= (NM_001371.4).
Identifiers: ClinVar variation 454605 (VCV000454605.36), dbSNP rs149787191, ClinGen allele CA3790277.

ClinVar aggregate classification (germline): Benign/Likely benign. Review status: criteria provided, multiple submitters, no conflicts (2 of 4 stars). 2 submissions from 2 submitters: Benign (1); Likely benign (1). Last evaluated 2025-12-18.

Conditions:
Primary ciliary dyskinesia. Also called: Ciliary dyskinesia. Identifiers: Orphanet 244, MedGen C0008780, MONDO:0016575, HP:0012265.

Allele frequency attached by ClinVar (database versions not stated): gnomAD 0.00244 and 0.00261; ESP Exome Variant Server 0.00277; TOPMed 0.00277; 1000 Genomes Project 0.00280; 1000 Genomes Project 30x 0.00344; gnomAD exomes 0.00035 and 0.00076; ExAC 0.00099.
gnomAD v4.1: 902 of 1,613,856 alleles (0.056%); highest among the groups gnomAD compares: African/African-American, 0.8%; 3 homozygotes.

Submissions (2):

Labcorp Genetics (formerly Invitae), Labcorp
Classification: Benign for Primary ciliary dyskinesia. Last evaluated: 2025-12-18. Review status: criteria provided, single submitter. Criteria: Invitae Variant Classification Sherloc (09022015). Collection method: clinical testing. Allele origin: germline.

CeGaT Center for Human Genetics Tuebingen
Classification: Likely benign. Last evaluated: 2022-09-01. Review status: criteria provided, single submitter. Criteria: CeGaT Center For Human Genetics Tuebingen Variant Classification Criteria Version 2. Collection method: clinical testing. Allele origin: germline. Affected: yes. Observed: 1 variant allele.
Comment: DNAH8: BP4, BP7